The following is an entry in ClinVar:

NM_015602.4(TOR1AIP1):c.855A>C (p.Lys285Asn)

Gene: TOR1AIP1 (torsin 1A interacting protein 1; plus strand). Cytogenetic location: 1q25.2.
Variant type: single nucleotide variant.
Coding change: c.855A>C on transcript NM_015602.4 (MANE Select); coding-DNA position 855, A replaced by C.
Protein change: p.Lys285Asn; replaces lysine 285 with asparagine.
Molecular consequence: missense variant.
Genome position (GRCh38, 1-based): chr1:179,908,621, A>C. VCF-style: chr1-179908621-A-C. GRCh37 (hg19) VCF-style: chr1-179877756-A-C.
Other names: c.858A>C, p.Lys286Asn (NM_001267578.2); c.855A>C (NM_015602.2); short protein forms K286N, K285N.
Identifiers: ClinVar variation 576695 (VCV000576695.5), dbSNP rs1558045449, ClinGen allele CA343569123.

ClinVar aggregate classification (germline): Uncertain significance. Review status: criteria provided, multiple submitters, no conflicts (2 of 4 stars). 3 submissions from 3 submitters: Uncertain significance (3). Last evaluated 2023-04-11.

Conditions:
Autosomal recessive limb-girdle muscular dystrophy type 2Y (MRRSDC). Also called: Muscular dystrophy, limb-girdle, type 2y; Muscular dystrophy, autosomal recessive, with rigid spine and distal joint contractures. Identifiers: Orphanet 424261, MedGen C4511482, MONDO:0014900, OMIM 617072.
Inborn genetic diseases. Identifiers: MedGen C0950123, MeSH D030342.

Allele frequency attached by ClinVar (database versions not stated): gnomAD exomes below 0.00001.

Submissions (3):

Genome-Nilou Lab
Classification: Uncertain significance for Autosomal recessive limb-girdle muscular dystrophy type 2Y. Last evaluated: 2023-04-11. Review status: criteria provided, single submitter. Criteria: ACMG Guidelines, 2015. Collection method: clinical testing. Allele origin: germline. Affected: no.

Ambry Genetics
Classification: Uncertain significance for Inborn genetic diseases. Last evaluated: 2021-09-09. Review status: criteria provided, single submitter. Criteria: Ambry Variant Classification Scheme 2023. Collection method: clinical testing. Allele origin: germline.

Labcorp Genetics (formerly Invitae), Labcorp
Classification: Uncertain significance for Muscular dystrophy, limb-girdle, type 2y. Last evaluated: 2018-01-23. Review status: criteria provided, single submitter. Criteria: Invitae Variant Classification Sherloc (09022015). Collection method: clinical testing. Allele origin: germline.
Comment: This sequence change replaces lysine with asparagine at codon 286 of the TOR1AIP1 protein (p.Lys286Asn). The lysine residue is weakly conserved and there is a moderate physicochemical difference between lysine and asparagine. This variant is not present in population databases (ExAC no frequency). This variant has not been reported in the literature in individuals with TOR1AIP1-related disease. Algorithms developed to predict the effect of missense changes on protein structure and function do not agree on the potential impact of this missense change (SIFT: "Tolerated"; PolyPhen-2: "Possibly Damaging"; Align-GVGD: "Class C0"). In summary, the available evidence is currently insufficient to determine the role of this variant in disease. Therefore, it has been classified as a Variant of Uncertain Significance.